The following is an entry in ClinVar:

NM_001367479.1(DNAH14):c.13639-5T>A

Gene: DNAH14 (dynein axonemal heavy chain 14; plus strand). Cytogenetic location: 1q42.12.
Variant type: single nucleotide variant.
Coding change: c.13639-5T>A on transcript NM_001367479.1 (MANE Select); 5 bases into the intron before coding-DNA position 13639, T replaced by A.
Molecular consequence: intron variant.
Genome position (GRCh38, 1-based): chr1:225,399,049, T>A. VCF-style: chr1-225399049-T-A. GRCh37 (hg19) VCF-style: chr1-225586751-T-A.
Identifiers: ClinVar variation 3366217 (VCV003366217.1).

ClinVar aggregate classification (germline): Uncertain significance (1 of 4 stars; one submission).

Submission:

GeneDx
Classification: Uncertain significance. Last evaluated: 2023-10-23. Review status: criteria provided, single submitter. Criteria: GeneDx Variant Classification Process June 2021. Collection method: clinical testing. Allele origin: germline. Affected: yes.
Comment: In silico analysis is inconclusive as to whether the variant alters gene splicing. In the absence of RNA/functional studies, the actual effect of this sequence change is unknown.; Has not been previously published as pathogenic or benign to our knowledge